The following is an entry in ClinVar:

ClinVar aggregate classification (germline): Uncertain significance. Review status: criteria provided, multiple submitters, no conflicts (2 of 4 stars). 3 submissions from 3 submitters: Uncertain significance (3). Last evaluated 2025-09-02.

Conditions:
Developmental and epileptic encephalopathy, 50 (DEE50). Also called: Epileptic encephalopathy, early infantile, 50. Identifiers: Orphanet 448010, MedGen C4225320, MONDO:0014647, OMIM 616457.

Allele frequency attached by ClinVar (database versions not stated): gnomAD exomes 0.00001.
gnomAD v4.1: 11 of 1,614,202 alleles (0.00068%); highest among the groups gnomAD compares: Non-Finnish European, 0.00093%; no homozygotes.

Submissions (3):

Labcorp Genetics (formerly Invitae), Labcorp
Classification: Uncertain significance. Last evaluated: 2025-09-02. Review status: criteria provided, single submitter. Criteria: Invitae Variant Classification Sherloc (09022015). Collection method: clinical testing. Allele origin: germline.
Comment: This sequence change replaces proline, which is neutral and non-polar, with serine, which is neutral and polar, at codon 310 of the CAD protein (p.Pro310Ser). This variant is present in population databases (no rsID available, gnomAD 0.002%). This variant has not been reported in the literature in individuals affected with CAD-related conditions. ClinVar contains an entry for this variant (Variation ID: 1176090). Invitae Evidence Modeling of protein sequence and biophysical properties (such as structural, functional, and spatial information, amino acid conservation, physicochemical variation, residue mobility, and thermodynamic stability) indicates that this missense variant is not expected to disrupt CAD protein function with a negative predictive value of 80%. In summary, the available evidence is currently insufficient to determine the role of this variant in disease. Therefore, it has been classified as a Variant of Uncertain Significance.

Institute of Human Genetics, Cologne University
Classification: Uncertain significance for Developmental and epileptic encephalopathy, 50. Last evaluated: 2024-09-10. Review status: criteria provided, single submitter. Criteria: ACMG Guidelines, 2015. Collection method: clinical testing. Allele origin: maternal.

CeGaT Center for Human Genetics Tuebingen
Classification: Uncertain significance. Last evaluated: 2021-04-01. Review status: criteria provided, single submitter. Criteria: CeGaT Center For Human Genetics Tuebingen Variant Classification Criteria Version 2. Collection method: clinical testing. Allele origin: germline. Affected: yes. Observed: 1 variant allele.

NM_004341.5(CAD):c.928C>T (p.Pro310Ser)

Gene: CAD (carbamoyl-phosphate synthetase 2, aspartate transcarbamylase, and dihydroorotase; plus strand). Cytogenetic location: 2p23.3.
Variant type: single nucleotide variant.
Coding change: c.928C>T on transcript NM_004341.5 (MANE Select); coding-DNA position 928, C replaced by T.
Protein change: p.Pro310Ser; replaces proline 310 with serine.
Molecular consequence: missense variant.
Genome position (GRCh38, 1-based): chr2:27,223,681, C>T. VCF-style: chr2-27223681-C-T. GRCh37 (hg19) VCF-style: chr2-27446549-C-T.
Other names: c.928C>T, p.Pro310Ser (NM_001306079.2); short protein forms P310S.
Identifiers: ClinVar variation 1176090 (VCV001176090.41), dbSNP rs774492044, ClinGen allele CA346202016.